The following is an entry in ClinVar:

NM_001927.4(DES):c.1092G>T (p.Gln364His)

Gene: DES (desmin; plus strand). Cytogenetic location: 2q35.
Variant type: single nucleotide variant.
Coding change: c.1092G>T on transcript NM_001927.4 (MANE Select); coding-DNA position 1092, G replaced by T.
Protein change: p.Gln364His; replaces glutamine 364 with histidine.
Molecular consequence: missense variant. On other transcripts: splice acceptor variant (1), intron variant (1).
Genome position (GRCh38, 1-based): chr2:219,421,408, G>T. VCF-style: chr2-219421408-G-T. GRCh37 (hg19) VCF-style: chr2-220286130-G-T.
Other names: c.1089G>T, p.Gln363His (NM_001382708.1); c.1071G>T, p.Gln357His (NM_001382711.1); c.1092G>T, p.Gln364His (NM_001382712.1); c.822G>T, p.Gln274His (NM_001382713.1); c.1024-1G>T (NM_001382710.1); c.736-76G>T (NM_001382709.1); short protein forms Q357H, Q363H, Q364H, Q274H.
Identifiers: ClinVar variation 1989564 (VCV001989564.4), dbSNP rs2545254923, ClinGen allele CA350694138.

ClinVar aggregate classification (germline): Uncertain significance (1 of 4 stars; one submission).

Conditions:
Desmin-related myofibrillar myopathy (MFM1). Also called: DESMIN-RELATED MYOPATHY WITH ARRHYTHMOGENIC RIGHT VENTRICULAR CARDIOMYOPATHY; MYOFIBRILLAR MYOPATHY WITH ARRHYTHMOGENIC RIGHT VENTRICULAR CARDIOMYOPATHY; Desminopathy; Desmin related myopathy (former name); Desmin storage myopathy (former name); Myofibrillar myopathy 1. Identifiers: Orphanet 363543, Orphanet 98909, MedGen C1832370, MONDO:0011076, OMIM 601419.

Submission:

Labcorp Genetics (formerly Invitae), Labcorp
Classification: Uncertain significance for Desmin-related myofibrillar myopathy. Last evaluated: 2022-08-25. Review status: criteria provided, single submitter. Criteria: Invitae Variant Classification Sherloc (09022015). Collection method: clinical testing. Allele origin: germline.
Comment: This sequence change replaces glutamine, which is neutral and polar, with histidine, which is basic and polar, at codon 364 of the DES protein (p.Gln364His). This variant is not present in population databases (gnomAD no frequency). This missense change has been observed in individual(s) with left ventricular noncompaction cardiomyopathy (PMID: 32235386). Advanced modeling of protein sequence and biophysical properties (such as structural, functional, and spatial information, amino acid conservation, physicochemical variation, residue mobility, and thermodynamic stability) performed at Invitae indicates that this missense variant is expected to disrupt DES protein function. In summary, the available evidence is currently insufficient to determine the role of this variant in disease. Therefore, it has been classified as a Variant of Uncertain Significance.

Literature cited by the submitters: PubMed 32235386.